The following is an entry in ClinVar:

ClinVar aggregate classification (germline): Uncertain significance (1 of 4 stars; one submission).

Conditions:
Hereditary breast ovarian cancer syndrome. Also called: BRCA1- and BRCA2-Associated Hereditary Breast and Ovarian Cancer; Hereditary breast and ovarian cancer syndrome (HBOC); Hereditary breast and/or ovarian cancer syndrome; Hereditary breast and ovarian cancer syndrome; Hereditary breast and ovarian cancer; Breast and ovarian cancer. Identifiers: Orphanet 145, MedGen C0677776, MeSH D061325, MONDO:0003582. Disease mechanism: loss of function.

Submission:

Labcorp Genetics (formerly Invitae), Labcorp
Classification: Uncertain significance for Hereditary breast ovarian cancer syndrome. Last evaluated: 2022-08-31. Review status: criteria provided, single submitter. Criteria: Invitae Variant Classification Sherloc (09022015). Collection method: clinical testing. Allele origin: germline.
Comment: This sequence change replaces valine, which is neutral and non-polar, with glutamic acid, which is acidic and polar, at codon 2975 of the BRCA2 protein (p.Val2975Glu). This variant is not present in population databases (gnomAD no frequency). In summary, the available evidence is currently insufficient to determine the role of this variant in disease. Therefore, it has been classified as a Variant of Uncertain Significance. Advanced modeling of protein sequence and biophysical properties (such as structural, functional, and spatial information, amino acid conservation, physicochemical variation, residue mobility, and thermodynamic stability) performed at Invitae indicates that this missense variant is not expected to disrupt BRCA2 protein function. This variant has not been reported in the literature in individuals affected with BRCA2-related conditions.

NM_000059.4(BRCA2):c.8924T>A (p.Val2975Glu)

Gene: BRCA2 (BRCA2 DNA repair associated; plus strand). Cytogenetic location: 13q13.1.
Variant type: single nucleotide variant.
Coding change: c.8924T>A on transcript NM_000059.4 (MANE Select); coding-DNA position 8924, T replaced by A.
Protein change: p.Val2975Glu; replaces valine 2975 with glutamic acid.
Molecular consequence: missense variant.
Genome position (GRCh38, 1-based): chr13:32,379,486, T>A. VCF-style: chr13-32379486-T-A. GRCh37 (hg19) VCF-style: chr13-32953623-T-A.
Other names: c.8828T>A, p.Val2943Glu (NM_001406719.1); c.3992T>A, p.Val1331Glu (NM_001406721.1); c.2507T>A, p.Val836Glu (NM_001406722.1); c.8924T>A, p.Val2975Glu (NM_001406720.1); short protein forms V1331E, V2943E, V2975E, V836E.
Identifiers: ClinVar variation 1718427 (VCV001718427.6), dbSNP rs2548555277, ClinGen allele CA387757289.
Genomic context (GRCh38, chr13:32,379,486, plus strand): 5'-CTGAACAAAAGGAACAAGGTTTATCAAGGGATGTCACAACCGTGTGGAAGTTGCGTATTG[T>A]AAGCTATTCAAAAAAAGAAAAAGATTCAGGTAAGTATGTAAATGCTTTGTTTTTATCAGT-3'
Protein context (NP_000050.3, residues 2965-2985): DVTTVWKLRI[Val2975Glu]SYSKKEKDSV